The following is an entry in ClinVar:

NM_001252024.2(TRPM1):c.2341C>G (p.Pro781Ala)

Gene: TRPM1 (transient receptor potential cation channel subfamily M member 1; minus strand). Cytogenetic location: 15q13.3.
Variant type: single nucleotide variant.
Coding change: c.2341C>G on transcript NM_001252024.2 (MANE Select); coding-DNA position 2341, C replaced by G.
Protein change: p.Pro781Ala; replaces proline 781 with alanine.
Molecular consequence: missense variant.
Genome position (GRCh38, 1-based): chr15:31,038,142, G>C on the plus strand (C>G on the coding strand, the complement: TRPM1 is on the minus strand). VCF-style: chr15-31038142-G-C. GRCh37 (hg19) VCF-style: chr15-31330345-G-C.
Other names: c.2392C>G, p.Pro798Ala (NM_001252020.2); c.2275C>G, p.Pro759Ala (NM_002420.6); short protein forms P759A, P781A, P798A.
Identifiers: ClinVar variation 1051969 (VCV001051969.9), dbSNP rs367984298, ClinGen allele CA267519675.
Genomic context (GRCh38, chr15:31,038,142, plus strand): 5'-CCTTGGATGTTTGATACGAGAAATCATCATATGTGCGAAATTCCAAAAACAAGATGGTGG[G>C]GGGTAGAAGAATCCCCATGATAACCTACGGAACATAAATTGATTTTTTAAGCTGTGGCAA-3'
Protein context (NP_001238953.1, residues 771-791): LKVIMGILLP[Pro781Ala]TILFLEFRTY

ClinVar aggregate classification (germline): Uncertain significance (1 of 4 stars; one submission).

Allele frequency attached by ClinVar (database versions not stated): ESP Exome Variant Server 0.00008.
gnomAD v4.1: 5 of 1,613,902 alleles (0.00031%); highest among the groups gnomAD compares: Admixed American, 0.005%; no homozygotes.

Submission:

Labcorp Genetics (formerly Invitae), Labcorp
Classification: Uncertain significance. Last evaluated: 2022-08-09. Review status: criteria provided, single submitter. Criteria: Invitae Variant Classification Sherloc (09022015). Collection method: clinical testing. Allele origin: germline.
Comment: In summary, the available evidence is currently insufficient to determine the role of this variant in disease. Therefore, it has been classified as a Variant of Uncertain Significance. Algorithms developed to predict the effect of missense changes on protein structure and function are either unavailable or do not agree on the potential impact of this missense change (SIFT: "Tolerated"; PolyPhen-2: "Probably Damaging"; Align-GVGD: "Class C0"). ClinVar contains an entry for this variant (Variation ID: 1051969). This variant has not been reported in the literature in individuals affected with TRPM1-related conditions. This variant is present in population databases (rs367984298, gnomAD 0.003%). This sequence change replaces proline, which is neutral and non-polar, with alanine, which is neutral and non-polar, at codon 759 of the TRPM1 protein (p.Pro759Ala).